The following is an entry in ClinVar:

ClinVar aggregate classification (germline): Benign/Likely benign. Review status: criteria provided, multiple submitters, no conflicts (2 of 4 stars). 2 submissions from 2 submitters: Benign (1); Likely benign (1). Last evaluated 2024-11-13.

Conditions:
Papillary renal cell carcinoma type 1 (RCCP1). Also called: RENAL CELL CARCINOMA, PAPILLARY, 1, SOMATIC; Renal adenocarcinoma; Renal cell carcinoma 1; Renal cell carcinoma, somatic. Identifiers: Orphanet 47044, MedGen C1336839, OMIM 605074, HP:0011797.
Hereditary cancer-predisposing syndrome. Also called: Neoplastic Syndromes, Hereditary; Tumor predisposition; Hereditary neoplastic syndrome; Hereditary Cancer Syndrome. Identifiers: Orphanet 140162, MedGen C0027672, MeSH D009386, MONDO:0015356.

Allele frequency attached by ClinVar (database versions not stated): gnomAD exomes below 0.00001.
gnomAD v4.1: 2 of 1,614,134 alleles (0.00012%); highest among the groups gnomAD compares: Non-Finnish European, 0.00017%; no homozygotes.

Submissions (2):

Myriad Genetics, Inc.
Classification: Benign for Papillary renal cell carcinoma type 1. Last evaluated: 2024-11-13. Review status: criteria provided, single submitter. Criteria: Myriad Autosomal Dominant, Autosomal Recessive and X-Linked Classification Criteria (2023). Collection method: clinical testing. Allele origin: unknown.
Comment: This variant is considered benign. This variant is a silent/synonymous amino acid change and it is not expected to impact splicing.

Ambry Genetics
Classification: Likely benign for Hereditary cancer-predisposing syndrome. Last evaluated: 2023-09-28. Review status: criteria provided, single submitter. Criteria: Ambry Variant Classification Scheme 2023. Collection method: clinical testing. Allele origin: germline.

NM_000245.4(MET):c.3129C>T (p.Ser1043=)

Gene: MET (MET proto-oncogene, receptor tyrosine kinase; plus strand). Cytogenetic location: 7q31.2.
Variant type: single nucleotide variant.
Coding change: c.3129C>T on transcript NM_000245.4 (MANE Select); coding-DNA position 3129, C replaced by T.
Protein change: p.Ser1043=; no amino-acid change (serine 1043 retained).
Molecular consequence: synonymous variant.
Genome position (GRCh38, 1-based): chr7:116,774,981, C>T. VCF-style: chr7-116774981-C-T. GRCh37 (hg19) VCF-style: chr7-116415035-C-T.
Other names: c.3183C>T, p.Ser1061= (NM_001127500.3); c.1839C>T, p.Ser613= (NM_001324402.2).
Identifiers: ClinVar variation 3232970 (VCV003232970.2), dbSNP rs2117030756, ClinGen allele CA457218396.